The following is an entry in ClinVar:

ClinVar aggregate classification (germline): Likely benign (1 of 4 stars; one submission).

Conditions:
PLXNA2-related disorder. Also called: PLXNA2-related condition.

Submission:

PreventionGenetics, part of Exact Sciences
Classification: Likely benign for PLXNA2-related condition. Last evaluated: 2025-01-03. Review status: criteria provided, single submitter. Criteria: ACMG Guidelines, 2015. Collection method: clinical testing. Allele origin: germline.
Comment: This variant is classified as likely benign based on ACMG/AMP sequence variant interpretation guidelines (Richards et al. 2015 PMID: 25741868, with internal and published modifications).

NM_025179.4(PLXNA2):c.3789G>A (p.Lys1263=)

Gene: PLXNA2 (plexin A2; minus strand). Cytogenetic location: 1q32.2.
Variant type: single nucleotide variant.
Coding change: c.3789G>A on transcript NM_025179.4 (MANE Select); coding-DNA position 3789, G replaced by A.
Protein change: p.Lys1263=; no amino-acid change (lysine 1263 retained).
Molecular consequence: synonymous variant.
Genome position (GRCh38, 1-based): chr1:208,044,593, C>T on the plus strand (G>A on the coding strand, the complement: PLXNA2 is on the minus strand). VCF-style: chr1-208044593-C-T. GRCh37 (hg19) VCF-style: chr1-208217938-C-T.
Identifiers: ClinVar variation 4990239 (VCV004990239.1).